The following is an entry in ClinVar:

ClinVar aggregate classification (germline): Benign. Review status: criteria provided, multiple submitters, no conflicts (2 of 4 stars). 7 submissions from 7 submitters: Benign (7). Last evaluated 2026-02-04.

Conditions:
Neuronopathy, distal hereditary motor, autosomal recessive 4. Also called: Autosomal recessive lower motor neuron disease with childhood onset; NEUROPATHY, DISTAL HEREDITARY MOTOR, AUTOSOMAL RECESSIVE 4. Identifiers: Orphanet 206580, MedGen C1970211, MONDO:0012608, OMIM 611067.
Charcot-Marie-Tooth disease recessive intermediate C. Also called: CHARCOT-MARIE-TOOTH NEUROPATHY, RECESSIVE INTERMEDIATE C. Identifiers: Orphanet 369867, MedGen C3809309, MONDO:0014154, OMIM 615376.

Allele frequency attached by ClinVar (database versions not stated): gnomAD exomes 0.00247 and 0.00617; ExAC 0.00805; gnomAD 0.02451 and 0.02621; ESP Exome Variant Server 0.02458; 1000 Genomes Project 0.02476; TOPMed 0.02654; 1000 Genomes Project 30x 0.02655.
gnomAD v4.1: 7,480 of 1,603,952 alleles (0.47%); highest among the groups gnomAD compares: African/African-American, 8.3%; 292 homozygotes.

Submissions (7):

Labcorp Genetics (formerly Invitae), Labcorp
Classification: Benign for Neuronopathy, distal hereditary motor, autosomal recessive 4; Charcot-Marie-Tooth disease recessive intermediate C. Last evaluated: 2026-02-04. Review status: criteria provided, single submitter. Criteria: Invitae Variant Classification Sherloc (09022015). Collection method: clinical testing. Allele origin: germline.

ARUP Laboratories, Molecular Genetics and Genomics, ARUP Laboratories
Classification: Benign. Last evaluated: 2024-08-02. Review status: criteria provided, single submitter. Criteria: ARUP Molecular Germline Variant Investigation Process 2024. Collection method: clinical testing. Allele origin: germline.

Illumina Laboratory Services, Illumina
Classification: Benign for Neuronopathy, distal hereditary motor, autosomal recessive 4. Last evaluated: 2018-01-13. Review status: criteria provided, single submitter. Criteria: ICSL Variant Classification Criteria 13 December 2019. Collection method: clinical testing. Allele origin: germline.
Comment: This variant was observed in the ICSL laboratory as part of a predisposition screen in an ostensibly healthy population. It had not been previously curated by ICSL or reported in the Human Gene Mutation Database (HGMD: prior to June 1st, 2018), and was therefore a candidate for classification through an automated scoring system. Utilizing variant allele frequency, disease prevalence and penetrance estimates, and inheritance mode, an automated score was calculated to assess if this variant is too frequent to cause the disease. Based on the score and internal cut-off values, a variant classified as benign is not then subjected to further curation. The score for this variant resulted in a classification of benign for this disease.

Mayo Clinic Laboratories, Mayo Clinic
Classification: Benign. Last evaluated: 2017-07-21. Review status: criteria provided, single submitter. Criteria: ACMG Guidelines, 2015. Collection method: clinical testing. Allele origin: germline. Observed: 33 variant alleles.

Eurofins Ntd Llc (ga)
Classification: Benign. Last evaluated: 2016-05-13. Review status: criteria provided, single submitter. Criteria: EGL Classification Definitions 2015. Collection method: clinical testing. Allele origin: germline. Observed: 3 variant alleles, 1 heterozygote, 2 homozygotes.

GeneDx
Classification: Benign. Last evaluated: 2015-03-03. Review status: criteria provided, single submitter. Criteria: GeneDx Variant Classification Process June 2021. Collection method: clinical testing. Allele origin: germline. Affected: yes.

Breakthrough Genomics
Classification: Benign. Review status: criteria provided, single submitter. Criteria: ACMG Guidelines, 2015. Collection method: not provided. Allele origin: germline. Inheritance: Autosomal recessive inheritance. Affected: yes.

NM_020631.6(PLEKHG5):c.2576G>A (p.Arg859His)

Gene: PLEKHG5 (pleckstrin homology and RhoGEF domain containing G5; minus strand). Cytogenetic location: 1p36.31.
Variant type: single nucleotide variant.
Coding change: c.2576G>A on transcript NM_020631.6 (MANE Select); coding-DNA position 2576, G replaced by A.
Protein change: p.Arg859His; replaces arginine 859 with histidine.
Molecular consequence: missense variant.
Genome position (GRCh38, 1-based): chr1:6,468,260, C>T on the plus strand (G>A on the coding strand, the complement: PLEKHG5 is on the minus strand). VCF-style: chr1-6468260-C-T. GRCh37 (hg19) VCF-style: chr1-6528320-C-T.
Other names: p.Arg859His; c.2576G>A (NM_020631.5); c.2687G>A, p.Arg896His (NM_001042663.3, NM_001265592.2); c.2576G>A, p.Arg859His (NM_001042664.2, NM_001042665.2, NM_001265594.3 and 1 more transcripts); c.2783G>A, p.Arg928His (NM_001265593.2); short protein forms R859H, R928H, R896H.
Identifiers: ClinVar variation 287487 (VCV000287487.33), dbSNP rs61737997, ClinGen allele CA561130.